The following is an entry in ClinVar:

ClinVar aggregate classification (germline): Uncertain significance (1 of 4 stars; one submission).

Conditions:
Autosomal recessive limb-girdle muscular dystrophy type 2J (LGMDR10). Also called: Limb-girdle muscular dystrophy, type 2J; MUSCULAR DYSTROPHY, LIMB-GIRDLE, AUTOSOMAL RECESSIVE 10. Identifiers: Orphanet 140922, MedGen C1837342, MONDO:0012127, OMIM 608807.
Dilated cardiomyopathy 1G (CMD1G). Identifiers: Orphanet 154, MedGen C1858763, MONDO:0011400, OMIM 604145.

Submission:

Labcorp Genetics (formerly Invitae), Labcorp
Classification: Uncertain significance for Dilated cardiomyopathy 1G; Autosomal recessive limb-girdle muscular dystrophy type 2J. Last evaluated: 2023-05-17. Review status: criteria provided, single submitter. Criteria: Invitae Variant Classification Sherloc (09022015). Collection method: clinical testing. Allele origin: unknown.
Comment: In summary, the available evidence is currently insufficient to determine the role of this variant in disease. Therefore, it has been classified as a Variant of Uncertain Significance. This variant is located in the Z band of TTN (PMID: 25589632). Variants in this region may be clinically relevant, but have not been definitively shown to cause cardiomyopathy or neuromuscular disease (PMID: 27493940, 32778822). This variant has not been reported in the literature in individuals affected with TTN-related conditions. This variant is a gross deletion of the genomic region encompassing exon(s) 2-6 of the TTN gene, which includes the initiator codon. This deletion extends beyond the assayed region for this gene and therefore may encompass additional genes. While this is not anticipated to result in nonsense mediated decay, it is expected to create a truncated TTN protein.

Literature cited by the submitters: PubMed 25589632; PubMed 27493940; PubMed 32778822.

NC_000002.11:g.(?_179664194)_(179669369_?)del

Gene: TTN (titin; minus strand). Cytogenetic location: 2q31.2.
Variant type: Deletion.
Identifiers: ClinVar variation 3247285 (VCV003247285.1).